The following is an entry in ClinVar:

ClinVar aggregate classification (germline): Likely pathogenic (1 of 4 stars; one submission).

Conditions:
Metaphyseal chondrodysplasia, McKusick type (CHH). Also called: Cartilage-hair hypoplasia; Cartilage-Hair Hypoplasia (CHH). Identifiers: Orphanet 175, MedGen C0220748, MONDO:0009595, OMIM 250250.

Submission:

Natera, Inc.
Classification: Likely pathogenic for Cartilage-hair hypoplasia. Last evaluated: 2025-04-11. Review status: criteria provided, single submitter. Criteria: Natera Variant Classification Schema (03/2026). Collection method: clinical testing. Allele origin: germline.
Comment: The n.-20_-15dupCTCTGT variant in RMRP is a duplication affecting the RMRP promoter region between the TATA box and the transcription initiation site. Other duplications and insertions just upstream of the transcription initiation site have been reported in individuals affected with cartilage-hair hypoplasia (PMID: 11207361, 17937437). This variant is rare in the general population with a frequency below the threshold expected for the associated phenotype(s). Given the available evidence, this variant is classified as Likely pathogenic.

Literature cited by the submitters: PubMed 11207361; PubMed 17937437.

NR_003051.3(RMRP):n.-20_-15dupCTCTGT

Gene: RMRP (RNA component of mitochondrial RNA processing endoribonuclease; minus strand). Cytogenetic location: 9p13.3.
Variant type: Duplication.
Genome position: GRCh38 VCF-style: chr9-35658032-C-CACAGAG. GRCh37 (hg19) VCF-style: chr9-35658029-C-CACAGAG.
Identifiers: ClinVar variation 4817177 (VCV004817177.1).